The following is an entry in ClinVar:

NM_020937.4(FANCM):c.613G>T (p.Ala205Ser)

Gene: FANCM (FA complementation group M; plus strand). Cytogenetic location: 14q21.2.
Variant type: single nucleotide variant.
Coding change: c.613G>T on transcript NM_020937.4 (MANE Select); coding-DNA position 613, G replaced by T.
Protein change: p.Ala205Ser; replaces alanine 205 with serine.
Molecular consequence: missense variant.
Genome position (GRCh38, 1-based): chr14:45,137,173, G>T. VCF-style: chr14-45137173-G-T. GRCh37 (hg19) VCF-style: chr14-45606376-G-T.
Other names: c.613G>T, p.Ala205Ser (NM_001308133.2, NM_001308134.2); short protein forms A205S.
Identifiers: ClinVar variation 3512999 (VCV003512999.1).

ClinVar aggregate classification (germline): Uncertain significance (1 of 4 stars; one submission).

Conditions:
Inborn genetic diseases. Identifiers: MedGen C0950123, MeSH D030342.

gnomAD v4.1: 4 of 1,613,686 alleles (0.00025%); highest among the groups gnomAD compares: Non-Finnish European, 0.00034%; no homozygotes.

Submission:

Ambry Genetics
Classification: Uncertain significance for Inborn genetic diseases. Last evaluated: 2024-12-10. Review status: criteria provided, single submitter. Criteria: Ambry Variant Classification Scheme 2023. Collection method: clinical testing. Allele origin: germline.
Comment: The p.A205S variant (also known as c.613G>T), located in coding exon 2 of the FANCM gene, results from a G to T substitution at nucleotide position 613. The alanine at codon 205 is replaced by serine, an amino acid with similar properties. This amino acid position is conserved. In addition, this alteration is predicted to be tolerated by in silico analysis. Based on the available evidence, the clinical significance of this variant remains unclear.